The following is an entry in ClinVar:

NM_175875.5(SIX5):c.2042C>T (p.Ala681Val)

Gene: SIX5 (SIX homeobox 5; minus strand). Cytogenetic location: 19q13.32.
Variant type: single nucleotide variant.
Coding change: c.2042C>T on transcript NM_175875.5 (MANE Select); coding-DNA position 2042, C replaced by T.
Protein change: p.Ala681Val; replaces alanine 681 with valine.
Molecular consequence: missense variant.
Genome position (GRCh38, 1-based): chr19:45,765,679, G>A on the plus strand (C>T on the coding strand, the complement: SIX5 is on the minus strand). VCF-style: chr19-45765679-G-A. GRCh37 (hg19) VCF-style: chr19-46268937-G-A.
Other names: c.2042C>T (NM_175875.4); short protein forms A681V.
Identifiers: ClinVar variation 2967485 (VCV002967485.4), dbSNP rs776213851, ClinGen allele CA9520430.

ClinVar aggregate classification (germline): Conflicting classifications of pathogenicity. Review status: criteria provided, conflicting classifications (1 of 4 stars). 2 submissions from 2 submitters: Uncertain significance (1); Likely benign (1). Last evaluated 2025-08-29.

Allele frequency attached by ClinVar (database versions not stated): ExAC 0.00001; gnomAD exomes 0.00003; gnomAD 0.00004; TOPMed 0.00004.
gnomAD v4.1: 52 of 1,612,584 alleles (0.0032%); highest among the groups gnomAD compares: Admixed American, 0.0033%; no homozygotes.

Submissions (2):

Ambry Genetics
Classification: Likely benign. Last evaluated: 2025-08-29. Review status: criteria provided, single submitter. Criteria: Ambry Variant Classification Scheme 2023. Collection method: clinical testing. Allele origin: germline.

Labcorp Genetics (formerly Invitae), Labcorp
Classification: Uncertain significance. Last evaluated: 2023-04-25. Review status: criteria provided, single submitter. Criteria: Invitae Variant Classification Sherloc (09022015). Collection method: clinical testing. Allele origin: germline.
Comment: The frequency data for this variant in the population databases is considered unreliable, as metrics indicate poor data quality at this position in the gnomAD database. In summary, the available evidence is currently insufficient to determine the role of this variant in disease. Therefore, it has been classified as a Variant of Uncertain Significance. Algorithms developed to predict the effect of missense changes on protein structure and function output the following: SIFT: "Not Available"; PolyPhen-2: "Benign"; Align-GVGD: "Not Available". The valine amino acid residue is found in multiple mammalian species, which suggests that this missense change does not adversely affect protein function. This variant has not been reported in the literature in individuals affected with SIX5-related conditions. This sequence change replaces alanine, which is neutral and non-polar, with valine, which is neutral and non-polar, at codon 681 of the SIX5 protein (p.Ala681Val).